The following is an entry in ClinVar:

NM_000742.4(CHRNA2):c.1498_1500del (p.Ile500del)

Gene: CHRNA2 (cholinergic receptor nicotinic alpha 2 subunit; minus strand). Cytogenetic location: 8p21.2.
Variant type: Deletion.
Coding change: c.1498_1500del on transcript NM_000742.4 (MANE Select); coding-DNA positions 1498 to 1500, 3 bases deleted (ATC; older notation c.1498_1500delATC).
Protein change: p.Ile500del; deletes isoleucine 500.
Molecular consequence: inframe deletion.
Genome position (GRCh38, 1-based): chr8:27,461,719-27,461,721, GAT deleted on the plus strand (ATC on the coding strand, the reverse complement: CHRNA2 is on the minus strand); deleting any 3 consecutive bases within chr8:27,461,719-27,461,723 gives the same sequence; the c. name uses the placement nearest the transcript's 3' end. VCF-style (leftmost placement, unchanged base first): chr8-27461718-CGAT-C. GRCh37 (hg19) VCF-style: chr8-27319235-CGAT-C.
Other names: c.1453_1455del, p.Ile485del (NM_001282455.2); c.1021_1023del, p.Ile341del (NM_001347705.2, NM_001347706.2); c.904_906del, p.Ile302del (NM_001347707.2, NM_001347708.2); c.1498_1500delATC (NM_000742.4); short protein forms I500del, I302del, I341del, I485del.
Identifiers: ClinVar variation 204986 (VCV000204986.7), dbSNP rs760166123, ClinGen allele CA313494.

ClinVar aggregate classification (germline): Uncertain significance. Review status: criteria provided, multiple submitters, no conflicts (2 of 4 stars). 3 submissions from 3 submitters: Uncertain significance (3). Last evaluated 2026-06-08.

Conditions:
Familial sleep-related hypermotor epilepsy. Also called: Autosomal Dominant Sleep-Related Hypermotor (Hyperkinetic) Epilepsy. Identifiers: Orphanet 98784, MedGen C3696898, MONDO:0000030.

Submissions (3):

Women's Health and Genetics/Laboratory Corporation of America, LabCorp
Classification: Uncertain significance. Last evaluated: 2026-06-08. Review status: criteria provided, single submitter. Criteria: LabCorp Variant Classification Summary - May 2015. Collection method: clinical testing. Allele origin: germline.
Comment: Variant summary: CHRNA2 c.1498_1500delATC (p.Ile500del) results in an in-frame deletion that is predicted to remove 1 amino acid from the encoded protein. The variant allele was found at a frequency of 2e-05 in 251466 control chromosomes. The available data on variant occurrences in the general population are insufficient to allow any conclusion about variant significance. To our knowledge, no occurrence of c.1498_1500delATC in individuals affected with CHRNA2-related conditions and no experimental evidence demonstrating its impact on protein function have been reported. ClinVar contains an entry for this variant (Variation ID: 204986). Based on the evidence outlined above, the variant was classified as uncertain significance.

Labcorp Genetics (formerly Invitae), Labcorp
Classification: Uncertain significance. Last evaluated: 2023-09-22. Review status: criteria provided, single submitter. Criteria: Invitae Variant Classification Sherloc (09022015). Collection method: clinical testing. Allele origin: germline.
Comment: In summary, the available evidence is currently insufficient to determine the role of this variant in disease. Therefore, it has been classified as a Variant of Uncertain Significance. Experimental studies and prediction algorithms are not available or were not evaluated, and the functional significance of this variant is currently unknown. ClinVar contains an entry for this variant (Variation ID: 204986). This variant has not been reported in the literature in individuals affected with CHRNA2-related conditions. This variant is present in population databases (rs760166123, gnomAD 0.004%). This variant, c.1498_1500del, results in the deletion of 1 amino acid(s) of the CHRNA2 protein (p.Ile500del), but otherwise preserves the integrity of the reading frame.

GeneDx
Classification: Uncertain significance. Last evaluated: 2014-09-18. Review status: criteria provided, single submitter. Criteria: GeneDx Variant Classification (06012015). Collection method: clinical testing. Allele origin: germline. Affected: yes.
Comment: c.1498_1500delATC: p.Ile500del (I500del) in exon 7 of the CHRNA2 gene (NM_000742.3). The normal sequence with the bases that are deleted in braces is: GGTC{ATC}GACA. A variant of unknown significance has been identified in the CHRNA2 gene. The c.1498_1500delATC variant has not been published as a mutation, nor has it been reported as a benign polymorphism to our knowledge. The c.1498_1500delATC variant causes an in-frame deletion of a single Isoleucine residue, denoted p.I500del. However, it alters a position in the CHRNA2 protein that is not well conserved across species. In addition, in frame deletions of CHRNA2 have not been previously reported to our knowledge. Therefore, based on the currently available information, it is unclear whether c.1498_1500delATC is a disease-causing mutation or a rare benign variant. The variant is found in EPILEPSY panel(s).